The following is an entry in ClinVar:

NM_002907.4(RECQL):c.1478G>A (p.Cys493Tyr)

Gene: RECQL (RecQ like helicase; minus strand). Cytogenetic location: 12p12.1.
Variant type: single nucleotide variant.
Coding change: c.1478G>A on transcript NM_002907.4 (MANE Select); coding-DNA position 1478, G replaced by A.
Protein change: p.Cys493Tyr; replaces cysteine 493 with tyrosine.
Molecular consequence: missense variant.
Genome position (GRCh38, 1-based): chr12:21,471,617, C>T on the plus strand (G>A on the coding strand, the complement: RECQL is on the minus strand). VCF-style: chr12-21471617-C-T. GRCh37 (hg19) VCF-style: chr12-21624551-C-T.
Other names: c.1478G>A, p.Cys493Tyr (NM_032941.3); short protein forms C493Y.
Identifiers: ClinVar variation 1773497 (VCV001773497.3), dbSNP rs2540322460, ClinGen allele CA384116333.
Genomic context (GRCh38, chr12:21,471,617, plus strand): 5'-AATGGAGTGAGTTTTTCATTCAGTTCCTCTGCCTGCTTCAGGATCTTGATTAGATCTCTG[C>T]AGTACTCTGTTATGTTCTTTCTTTCAAATGCTGTAATAAAACAAATATGGTAGCAGGTAA-3'
Protein context (NP_002898.2, residues 483-503): AFERKNITEY[Cys493Tyr]RDLIKILKQA

ClinVar aggregate classification (germline): Uncertain significance (1 of 4 stars; one submission).

Submission:

Ambry Genetics
Classification: Uncertain significance. Last evaluated: 2024-10-14. Review status: criteria provided, single submitter. Criteria: Ambry Variant Classification Scheme 2023. Collection method: clinical testing. Allele origin: germline.
Comment: The p.C493Y variant (also known as c.1478G>A), located in coding exon 12 of the RECQL gene, results from a G to A substitution at nucleotide position 1478. The cysteine at codon 493 is replaced by tyrosine, an amino acid with highly dissimilar properties. This amino acid position is conserved. In addition, this alteration is predicted to be tolerated by in silico analysis. Since supporting evidence is limited at this time, the clinical significance of this alteration remains unclear.